The following is an entry in ClinVar:

ClinVar aggregate classification (germline): Uncertain significance (1 of 4 stars; one submission).

Conditions:
Epidermolysis bullosa simplex 3, localized or generalized intermediate, with BP230 deficiency (EBS3). Also called: Epidermolysis bullosa simplex due to BP230 deficiency; Epidermolysis bullosa simplex, autosomal recessive 2. Identifiers: Orphanet 412181, MedGen C3809470, MONDO:0014180, OMIM 615425.
Hereditary sensory and autonomic neuropathy type 6. Also called: Neuropathy, hereditary sensory and autonomic, type VI; HSAN VI. Identifiers: Orphanet 314381, MedGen C3539003, MONDO:0013839, OMIM 614653.

Allele frequency attached by ClinVar (database versions not stated): gnomAD exomes below 0.00001; TOPMed 0.00001.
gnomAD v4.1: 4 of 1,614,212 alleles (0.00025%); highest among the groups gnomAD compares: Non-Finnish European, 0.00034%; no homozygotes.

Submission:

Labcorp Genetics (formerly Invitae), Labcorp
Classification: Uncertain significance for Epidermolysis bullosa simplex 3, localized or generalized intermediate, with BP230 deficiency; Hereditary sensory and autonomic neuropathy type 6. Last evaluated: 2019-01-12. Review status: criteria provided, single submitter. Criteria: Invitae Variant Classification Sherloc (09022015). Collection method: clinical testing. Allele origin: germline.
Comment: In summary, the available evidence is currently insufficient to determine the role of this variant in disease. Therefore, it has been classified as a Variant of Uncertain Significance. Algorithms developed to predict the effect of missense changes on protein structure and function are either unavailable or do not agree on the potential impact of this missense change (SIFT: "Tolerated"; PolyPhen-2: "Possibly Damaging"; Align-GVGD: "Class C0"). This variant has not been reported in the literature in individuals with DST-related conditions. This variant is not present in population databases (ExAC no frequency). This sequence change replaces alanine with threonine at codon 2250 of the DST protein (p.Ala2250Thr). The alanine residue is weakly conserved and there is a small physicochemical difference between alanine and threonine.

NM_001723.7(DST):c.6748G>A (p.Ala2250Thr)

Gene: DST (dystonin; minus strand). Cytogenetic location: 6p12.1.
Variant type: single nucleotide variant.
Coding change: c.6748G>A on transcript NM_001723.7 (MANE Plus Clinical); coding-DNA position 6748, G replaced by A.
Protein change: p.Ala2250Thr; replaces alanine 2250 with threonine.
Molecular consequence: missense variant. On other transcripts: intron variant (10).
Genome position (GRCh38, 1-based): chr6:56,616,719, C>T on the plus strand (G>A on the coding strand, the complement: DST is on the minus strand). VCF-style: chr6-56616719-C-T. GRCh37 (hg19) VCF-style: chr6-56481517-C-T.
Other names: c.4831-2235G>A (NM_001144769.5); c.4930-2235G>A (NM_001374722.1, NM_001374736.1); c.4957-2235G>A (NM_001374734.1); c.4417-2235G>A (NM_001144770.2); c.4297-2235G>A (NM_001374730.1, NM_001386100.1, NM_183380.4 and 1 more transcripts); c.3319-2235G>A (NM_015548.5); short protein forms A2250T.
Identifiers: ClinVar variation 861485 (VCV000861485.10), dbSNP rs2098628535, ClinGen allele CA364564471.